The following is an entry in ClinVar:

ClinVar aggregate classification (germline): Pathogenic (1 of 4 stars; one submission).

Conditions:
Familial cancer of breast. Also called: hereditary breast carcinoma; BREAST CANCER, FAMILIAL; Hereditary breast cancer. Identifiers: Orphanet 227535, MedGen C0346153, MONDO:0016419, OMIM 114480. Disease mechanism: loss of function.

Submission:

Myriad Genetics, Inc.
Classification: Pathogenic for Familial cancer of breast. Last evaluated: 2024-01-31. Review status: criteria provided, single submitter. Criteria: Myriad Autosomal Dominant, Autosomal Recessive and X-Linked Classification Criteria (2023). Collection method: clinical testing. Allele origin: unknown.
Comment: This variant is considered pathogenic. This variant creates a termination codon and is predicted to result in premature protein truncation.

NM_000051.4(ATM):c.7575dup (p.Arg2526Ter)

Genes: ATM (ATM serine/threonine kinase; plus strand), C11orf65 (chromosome 11 open reading frame 65; minus strand). Cytogenetic location: 11q22.3.
Variant type: Duplication.
Coding change: c.7575dup on transcript NM_000051.4 (MANE Select); coding-DNA position 7575, one base duplicated (T; older notation c.7575dupT).
Protein change: p.Arg2526Ter; replaces arginine 2526 with a stop codon.
Molecular consequence: nonsense. On other transcripts: intron variant (2), non-coding transcript variant (1).
Genome position (GRCh38, 1-based): chr11:108,331,503, T duplicated. VCF-style (leftmost placement, unchanged base first): chr11-108331502-C-CT. GRCh37 (hg19) VCF-style: chr11-108202229-C-CT.
Other names: c.7575dup, p.Arg2526Ter (NM_001351834.2); c.641-22432dup (NM_001330368.2); c.*38+3717dup (NM_001351110.2); short protein forms R2526*.
Identifiers: ClinVar variation 3148563 (VCV003148563.1), dbSNP rs2547274705, ClinGen allele CA2825001958.